The following is an entry in ClinVar:

ClinVar aggregate classification (germline): Uncertain significance (1 of 4 stars; one submission).

gnomAD v4.1: 1 of 1,600,256 alleles (0.000062%); highest among the groups gnomAD compares: African/African-American, 0.0013%; no homozygotes.

Submission:

Labcorp Genetics (formerly Invitae), Labcorp
Classification: Uncertain significance. Last evaluated: 2023-07-17. Review status: criteria provided, single submitter. Criteria: Invitae Variant Classification Sherloc (09022015). Collection method: clinical testing. Allele origin: germline.
Comment: This sequence change replaces alanine, which is neutral and non-polar, with glycine, which is neutral and non-polar, at codon 85 of the ADGRV1 protein (p.Ala85Gly). This variant is not present in population databases (gnomAD no frequency). This variant has not been reported in the literature in individuals affected with ADGRV1-related conditions. ClinVar contains an entry for this variant (Variation ID: 1364591). Advanced modeling of protein sequence and biophysical properties (such as structural, functional, and spatial information, amino acid conservation, physicochemical variation, residue mobility, and thermodynamic stability) performed at Invitae indicates that this missense variant is not expected to disrupt ADGRV1 protein function. Algorithms developed to predict the effect of sequence changes on RNA splicing suggest that this variant may create or strengthen a splice site. In summary, the available evidence is currently insufficient to determine the role of this variant in disease. Therefore, it has been classified as a Variant of Uncertain Significance.

NM_032119.4(ADGRV1):c.254C>G (p.Ala85Gly)

Gene: ADGRV1 (adhesion G protein-coupled receptor V1; plus strand). Cytogenetic location: 5q14.3.
Variant type: single nucleotide variant.
Coding change: c.254C>G on transcript NM_032119.4 (MANE Select); coding-DNA position 254, C replaced by G.
Protein change: p.Ala85Gly; replaces alanine 85 with glycine.
Molecular consequence: missense variant. On other transcripts: non-coding transcript variant (1).
Genome position (GRCh38, 1-based): chr5:90,617,850, C>G. VCF-style: chr5-90617850-C-G. GRCh37 (hg19) VCF-style: chr5-89913667-C-G.
Other names: short protein forms A85G.
Identifiers: ClinVar variation 1364591 (VCV001364591.4), dbSNP rs1017548979, ClinGen allele CA360385275.